The following is an entry in ClinVar:

NM_006231.4(POLE):c.4357A>T (p.Arg1453Trp)

Gene: POLE (DNA polymerase epsilon, catalytic subunit; minus strand). Cytogenetic location: 12q24.33.
Variant type: single nucleotide variant.
Coding change: c.4357A>T on transcript NM_006231.4 (MANE Select); coding-DNA position 4357, A replaced by T.
Protein change: p.Arg1453Trp; replaces arginine 1453 with tryptophan.
Molecular consequence: missense variant.
Genome position (GRCh38, 1-based): chr12:132,643,494, T>A on the plus strand (A>T on the coding strand, the complement: POLE is on the minus strand). VCF-style: chr12-132643494-T-A. GRCh37 (hg19) VCF-style: chr12-133220080-T-A.
Other names: short protein forms R1453W.
Identifiers: ClinVar variation 540661 (VCV000540661.8), dbSNP rs1057524305, ClinGen allele CA387381316.

ClinVar aggregate classification (germline): Uncertain significance (1 of 4 stars; one submission).

Submission:

Labcorp Genetics (formerly Invitae), Labcorp
Classification: Uncertain significance. Last evaluated: 2017-12-18. Review status: criteria provided, single submitter. Criteria: Invitae Variant Classification Sherloc (09022015). Collection method: clinical testing. Allele origin: germline.
Comment: This variant has not been reported in the literature in individuals with POLE-related disease. This sequence change replaces arginine with tryptophan at codon 1453 of the POLE protein (p.Arg1453Trp). The arginine residue is moderately conserved and there is a moderate physicochemical difference between arginine and tryptophan. This variant is not present in population databases (ExAC no frequency). Algorithms developed to predict the effect of missense changes on protein structure and function do not agree on the potential impact of this missense change (SIFT: "Deleterious"; PolyPhen-2: "Probably Damaging"; Align-GVGD: "Class C0"). In summary, the available evidence is currently insufficient to determine the role of this variant in disease. Therefore, it has been classified as a Variant of Uncertain Significance.